The following is an entry in ClinVar:

NM_000038.6(APC):c.2563G>T (p.Glu855Ter)

Gene: APC (APC regulator of Wnt signaling pathway; plus strand). Cytogenetic location: 5q22.2.
Variant type: single nucleotide variant.
Coding change: c.2563G>T on transcript NM_000038.6 (MANE Select); coding-DNA position 2563, G replaced by T.
Protein change: p.Glu855Ter; replaces glutamic acid 855 with a stop codon.
Molecular consequence: nonsense. On other transcripts: non-coding transcript variant (2).
Genome position (GRCh38, 1-based): chr5:112,838,157, G>T. VCF-style: chr5-112838157-G-T. GRCh37 (hg19) VCF-style: chr5-112173854-G-T.
Other names: c.2563G>T, p.Glu855Ter (NM_001127510.3, NM_001354895.2, NM_001407450.1); c.2509G>T, p.Glu837Ter (NM_001127511.3); c.2617G>T, p.Glu873Ter (NM_001354896.2, NM_001407447.1, NM_001407448.1 and 1 more transcripts); c.2593G>T, p.Glu865Ter (NM_001354897.2); c.2488G>T, p.Glu830Ter (NM_001354898.2); c.2479G>T, p.Glu827Ter (NM_001354899.2); c.2440G>T, p.Glu814Ter (NM_001354900.2); c.2386G>T, p.Glu796Ter (NM_001354901.2, NM_001407453.1); and 12 more; short protein forms E471*, E572*, E695*, E726*, E729*, E754*, E764*, E772*.
Identifiers: ClinVar variation 2583945 (VCV002583945.5), dbSNP rs1320581229, ClinGen allele CA16026951.

ClinVar aggregate classification (germline): Pathogenic. Review status: criteria provided, multiple submitters, no conflicts (2 of 4 stars). 3 submissions from 3 submitters: Pathogenic (3). Last evaluated 2024-02-05.

Conditions:
Familial adenomatous polyposis 1 (FAP1). Also called: FAMILIAL ADENOMATOUS POLYPOSIS 1, ATTENUATED; POLYPOSIS, ADENOMATOUS INTESTINAL. Identifiers: MedGen C2713442, MONDO:0021056, OMIM 175100. Disease mechanism: loss of function.

Submissions (3):

GeneDx
Classification: Pathogenic. Last evaluated: 2024-02-05. Review status: criteria provided, single submitter. Criteria: GeneDx Variant Classification Process June 2021. Collection method: clinical testing. Allele origin: germline. Affected: yes.
Comment: Nonsense variant predicted to result in protein truncation or nonsense mediated decay in a gene for which loss of function is a known mechanism of disease; Not observed at significant frequency in large population cohorts (gnomAD); This variant is associated with the following publications: (PMID: 18199528, 20223039)

Myriad Genetics, Inc.
Classification: Pathogenic for Familial adenomatous polyposis 1. Last evaluated: 2023-05-04. Review status: criteria provided, single submitter. Criteria: Myriad Autosomal Dominant, Autosomal Recessive and X-Linked Classification Criteria (2023). Collection method: clinical testing. Allele origin: unknown.
Comment: This variant is considered pathogenic. This variant creates a termination codon and is predicted to result in premature protein truncation.

National Molecular Genetics Centre of Cancer Research, N.N. Alexandrov National Cancer Centre of Belarus
Classification: Pathogenic for Familial adenomatous polyposis 1. Review status: criteria provided, single submitter. Criteria: ACMG Guidelines, 2015. Collection method: clinical testing. Allele origin: germline. Inheritance: Autosomal dominant inheritance. Affected: yes.
Comment: This variant is considered pathogenic. PVS1 - this variant creates a stop codon at Glu855 position. PP4 - patient's phenotype is highly specific for a disease with a single genetic aetiology. PM2 - variant is absent in Gnomad database.